The following is an entry in ClinVar:

NM_001127511.3(APC):c.-128G>T

Gene: APC (APC regulator of Wnt signaling pathway; plus strand). Cytogenetic location: 5q22.2.
Variant type: single nucleotide variant.
Coding change: c.-128G>T on transcript NM_001127511.3; 128 bases upstream of the start codon, G replaced by T.
Molecular consequence: 5 prime UTR variant. On other transcripts: non-coding transcript variant (2).
Genome position (GRCh38, 1-based): chr5:112,707,590, G>T. VCF-style: chr5-112707590-G-T. GRCh37 (hg19) VCF-style: chr5-112043287-G-T.
Other names: c.-311G>T (NM_001354895.2, NM_001407447.1, NM_001407452.1 and 3 more transcripts); c.-128G>T (NM_001354897.2, NM_001354902.2, NM_001407446.1); c.-78G>T (NM_001407448.1, NM_001407450.1, NM_001407457.1 and 1 more transcripts); c.-102G>T (NM_001407453.1); c.-1346G>T (NM_001407470.1, NM_001407472.1).
Identifiers: ClinVar variation 1044436 (VCV001044436.9), dbSNP rs543098847, ClinGen allele CA802057144.

ClinVar aggregate classification (germline): Uncertain significance (1 of 4 stars; one submission).

Conditions:
Familial adenomatous polyposis 1 (FAP1). Also called: FAMILIAL ADENOMATOUS POLYPOSIS 1, ATTENUATED; POLYPOSIS, ADENOMATOUS INTESTINAL. Identifiers: MedGen C2713442, MONDO:0021056, OMIM 175100. Disease mechanism: loss of function.

Allele frequency attached by ClinVar (database versions not stated): TOPMed 0.00001.
gnomAD v4.1: 2 of 981,990 alleles (0.0002%); highest among the groups gnomAD compares: Non-Finnish European, 0.00028%; no homozygotes.

Submission:

Labcorp Genetics (formerly Invitae), Labcorp
Classification: Uncertain significance for Familial adenomatous polyposis 1. Last evaluated: 2025-07-31. Review status: criteria provided, single submitter. Criteria: Invitae Variant Classification Sherloc (09022015). Collection method: clinical testing. Allele origin: germline.
Comment: This variant occurs in a non-coding region of the APC gene. It does not change the encoded amino acid sequence of the APC protein. This variant is not present in population databases (gnomAD no frequency). This variant has not been reported in the literature in individuals affected with APC-related conditions. Experimental studies and prediction algorithms are not available or were not evaluated, and the functional significance of this variant is currently unknown. In summary, the available evidence is currently insufficient to determine the role of this variant in disease. Therefore, it has been classified as a Variant of Uncertain Significance.